The following is an entry in ClinVar:

ClinVar aggregate classification (germline): Uncertain significance. Review status: criteria provided, multiple submitters, no conflicts (2 of 4 stars). 5 submissions from 5 submitters: Uncertain significance (5). Last evaluated 2025-09-16.

Conditions:
Loeys-Dietz syndrome 2 (LDS2). Also called: TGFBR2-Related Loeys-Dietz Syndrome; AORTIC ANEURYSM, FAMILIAL THORACIC 3; MARFAN SYNDROME, TYPE II; Marfan Syndrome type 2; Marfan like connective tissue disorder; MFS 2. Identifiers: Orphanet 284973, Orphanet 558, MedGen C2674574, MONDO:0012427, OMIM 610168.

Allele frequency attached by ClinVar (database versions not stated): ExAC 0.00002; gnomAD exomes 0.00002 and 0.00005; gnomAD 0.00006; TOPMed 0.00008; ESP Exome Variant Server 0.00015.
gnomAD v4.1: 80 of 1,614,018 alleles (0.005%); highest among the groups gnomAD compares: Non-Finnish European, 0.0061%; no homozygotes.

Submissions (5):

Labcorp Genetics (formerly Invitae), Labcorp
Classification: Uncertain significance for Loeys-Dietz syndrome 2. Last evaluated: 2025-09-16. Review status: criteria provided, single submitter. Criteria: Invitae Variant Classification Sherloc (09022015). Collection method: clinical testing. Allele origin: germline.
Comment: This sequence change replaces methionine, which is neutral and non-polar, with isoleucine, which is neutral and non-polar, at codon 303 of the TMPO protein (p.Met303Ile). This variant is present in population databases (rs369208265, gnomAD 0.005%). This variant has not been reported in the literature in individuals affected with TMPO-related conditions. ClinVar contains an entry for this variant (Variation ID: 165468). Invitae Evidence Modeling of protein sequence and biophysical properties (such as structural, functional, and spatial information, amino acid conservation, physicochemical variation, residue mobility, and thermodynamic stability) indicates that this missense variant is not expected to disrupt TMPO protein function with a negative predictive value of 80%. In summary, the available evidence is currently insufficient to determine the role of this variant in disease. Therefore, it has been classified as a Variant of Uncertain Significance.

Ambry Genetics
Classification: Uncertain significance. Last evaluated: 2025-04-13. Review status: criteria provided, single submitter. Criteria: Ambry Variant Classification Scheme 2023. Collection method: clinical testing. Allele origin: germline.
Comment: The p.M303I variant (also known as c.909G>T), located in coding exon 4 of the TMPO gene, results from a G to T substitution at nucleotide position 909. The methionine at codon 303 is replaced by isoleucine, an amino acid with highly similar properties. This amino acid position is conserved. In addition, this alteration is predicted to be tolerated by in silico analysis. Since supporting evidence is limited at this time, the clinical significance of this alteration remains unclear.

Women's Health and Genetics/Laboratory Corporation of America, LabCorp
Classification: Uncertain significance. Last evaluated: 2024-12-09. Review status: criteria provided, single submitter. Criteria: LabCorp Variant Classification Summary - May 2015. Collection method: clinical testing. Allele origin: germline.

GeneDx
Classification: Uncertain significance. Last evaluated: 2022-11-15. Review status: criteria provided, single submitter. Criteria: GeneDx Variant Classification Process June 2021. Collection method: clinical testing. Allele origin: germline. Affected: yes.
Comment: In silico analysis supports that this missense variant does not alter protein structure/function; Has not been previously published as pathogenic or benign in association with cardiomyopathy or other TMPO-related disorders to our knowledge; This variant is associated with the following publications: (PMID: 28404951)

Laboratory for Molecular Medicine, Mass General Brigham Personalized Medicine
Classification: Uncertain significance. Last evaluated: 2014-12-18. Review status: criteria provided, single submitter. Criteria: LMM Criteria. Collection method: clinical testing. Allele origin: germline. Observed: 2 variant alleles.
Comment: This variant has also been identified in 2/6 7574 European chromosomes by the Exome Aggregation Consortium (ExAC .; dbSNP rs369208265). Methionine (Met) at position 303 is not conserved in mammals or evolutionarily distant species and 1 mammal (squirrel m onkey) carries an isoleucine (Ile) at this position, raising the possibility tha t this change may be tolerated. Additional computational prediction tools also s uggest that the p.Met303Ile variant may not impact the protein, though this info rmation is not predictive enough to rule out pathogenicity. In summary, the clin ical significance of the p.Met303Ile variant is uncertain.

NM_001032283.3(TMPO):c.565+1328G>T

Gene: TMPO (thymopoietin; plus strand). Cytogenetic location: 12q23.1.
Variant type: single nucleotide variant.
Coding change: c.565+1328G>T on transcript NM_001032283.3 (MANE Select); 1328 bases into the intron after coding-DNA position 565, G replaced by T.
Molecular consequence: intron variant. On other transcripts: missense variant (1).
Genome position (GRCh38, 1-based): chr12:98,533,166, G>T. VCF-style: chr12-98533166-G-T. GRCh37 (hg19) VCF-style: chr12-98926944-G-T.
Other names: c.909G>T, p.Met303Ile (NM_003276.2); c.565+1328G>T (NM_001307975.2, NM_001032284.3); short protein forms M303I.
Identifiers: ClinVar variation 165468 (VCV000165468.22), dbSNP rs369208265, ClinGen allele CA178234.